The following is an entry in ClinVar:

ClinVar aggregate classification (germline): Conflicting classifications of pathogenicity. Review status: criteria provided, conflicting classifications (1 of 4 stars). 6 submissions from 6 submitters: Likely pathogenic (1); Uncertain significance (4). 1 of the submissions does not count toward it. Last evaluated 2025-10-14.

Conditions:
MYO7A-related disorder. Also called: MYO7A-related disorders.
Usher syndrome type 1B (USH1B). Also called: Usher syndrome type IB. Identifiers: MedGen C1848638, MONDO:0700087.
Autosomal recessive nonsyndromic hearing loss 2. Also called: NEUROSENSORY NONSYNDROMIC RECESSIVE DEAFNESS 2; DEAFNESS, AUTOSOMAL RECESSIVE 2. Identifiers: Orphanet 90636, MedGen C1838701, MONDO:0010807, OMIM 600060.

Allele frequency attached by ClinVar (database versions not stated): gnomAD exomes 0.00004; ExAC 0.00005; gnomAD 0.00005 and 0.00007; TOPMed 0.00009.
gnomAD v4.1: 100 of 1,556,386 alleles (0.0064%); highest among the groups gnomAD compares: Admixed American, 0.0097%; no homozygotes.

Submissions (6):

PreventionGenetics, part of Exact Sciences
Classification: Uncertain significance for MYO7A-related condition. Last evaluated: 2025-10-14. Review status: criteria provided, single submitter. Criteria: ACMG Guidelines, 2015. Collection method: clinical testing. Allele origin: germline.
Comment: The MYO7A c.268C>T variant is predicted to result in the amino acid substitution p.Arg90Trp. This variant has been in an individual with non-syndromic hearing loss (Pál et al. 2023. PubMed ID: 37108562). This variant is reported in 0.012% of alleles in individuals of Latino descent in gnomAD. At this time, the clinical significance of this variant is uncertain due to the absence of conclusive functional and genetic evidence.

Labcorp Genetics (formerly Invitae), Labcorp
Classification: Uncertain significance. Last evaluated: 2025-08-22. Review status: criteria provided, single submitter. Criteria: Invitae Variant Classification Sherloc (09022015). Collection method: clinical testing. Allele origin: germline.
Comment: This sequence change replaces arginine, which is basic and polar, with tryptophan, which is neutral and slightly polar, at codon 90 of the MYO7A protein (p.Arg90Trp). This variant is present in population databases (rs781834630, gnomAD 0.01%). This missense change has been observed in individual(s) with clinical features of MYO7A-related conditions (PMID: 37108562). ClinVar contains an entry for this variant (Variation ID: 802702). Invitae Evidence Modeling of protein sequence and biophysical properties (such as structural, functional, and spatial information, amino acid conservation, physicochemical variation, residue mobility, and thermodynamic stability) has been performed for this missense variant. However, the output from this modeling did not meet the statistical confidence thresholds required to predict the impact of this variant on MYO7A protein function. In summary, the available evidence is currently insufficient to determine the role of this variant in disease. Therefore, it has been classified as a Variant of Uncertain Significance.

Blueprint Genetics
Classification: Uncertain significance. Last evaluated: 2024-11-06. Review status: criteria provided, single submitter. Criteria: ACMG Guidelines, 2015. Collection method: clinical testing. Allele origin: germline.

CeGaT Center for Human Genetics Tuebingen
Classification: Likely pathogenic. Last evaluated: 2022-10-01. Review status: criteria provided, single submitter. Criteria: CeGaT Center For Human Genetics Tuebingen Variant Classification Criteria Version 2. Collection method: clinical testing. Allele origin: germline. Affected: yes. Observed: 1 variant allele.
Comment: MYO7A: PM1, PM2, PM5

Mendelics
Classification: Uncertain significance for Autosomal recessive nonsyndromic hearing loss 2. Last evaluated: 2019-05-28. Review status: criteria provided, single submitter. Criteria: Mendelics Assertion Criteria 2017. Collection method: clinical testing. Allele origin: unknown.

Natera, Inc.
Classification: Uncertain significance for Usher syndrome type 1B. Last evaluated: 2020-03-24. Review status: no assertion criteria provided. Collection method: clinical testing. Allele origin: germline. Not counted in ClinVar's aggregate classification.

Literature cited by the submitters: PubMed 37108562 (cited by Labcorp Genetics (formerly Invitae), Labcorp).

NM_000260.4(MYO7A):c.268C>T (p.Arg90Trp)

Gene: MYO7A (myosin VIIA; plus strand). Cytogenetic location: 11q13.5.
Variant type: single nucleotide variant.
Coding change: c.268C>T on transcript NM_000260.4 (MANE Select); coding-DNA position 268, C replaced by T.
Protein change: p.Arg90Trp; replaces arginine 90 with tryptophan.
Molecular consequence: missense variant.
Genome position (GRCh38, 1-based): chr11:77,147,933, C>T. VCF-style: chr11-77147933-C-T. GRCh37 (hg19) VCF-style: chr11-76858979-C-T.
Other names: c.268C>T, p.Arg90Trp (NM_001127180.2); c.235C>T, p.Arg79Trp (NM_001369365.1); short protein forms R79W, R90W.
Identifiers: ClinVar variation 802702 (VCV000802702.35), dbSNP rs781834630, ClinGen allele CA6197080.